The following is an entry in ClinVar:

NM_001261826.3(AP3D1):c.1951C>T (p.Arg651Trp)

Gene: AP3D1 (adaptor related protein complex 3 subunit delta 1; minus strand). Cytogenetic location: 19p13.3.
Variant type: single nucleotide variant.
Coding change: c.1951C>T on transcript NM_001261826.3 (MANE Select); coding-DNA position 1951, C replaced by T.
Protein change: p.Arg651Trp; replaces arginine 651 with tryptophan.
Molecular consequence: missense variant.
Genome position (GRCh38, 1-based): chr19:2,116,655, G>A on the plus strand (C>T on the coding strand, the complement: AP3D1 is on the minus strand). VCF-style: chr19-2116655-G-A. GRCh37 (hg19) VCF-style: chr19-2116654-G-A.
Other names: c.1951C>T, p.Arg651Trp (NM_003938.8, LRG_1207t1); short protein forms R651W.
Identifiers: ClinVar variation 501884 (VCV000501884.9), dbSNP rs765841034, ClinGen allele CA9059115.

ClinVar aggregate classification (germline): Uncertain significance. Review status: criteria provided, multiple submitters, no conflicts (2 of 4 stars). 2 submissions from 2 submitters: Uncertain significance (2). Last evaluated 2022-05-21.

Allele frequency attached by ClinVar (database versions not stated): gnomAD exomes 0.00001; TOPMed 0.00003; ExAC 0.00004; gnomAD 0.00004.
gnomAD v4.1: 15 of 1,605,326 alleles (0.00093%); highest among the groups gnomAD compares: African/African-American, 0.008%; no homozygotes.

Submissions (2):

Labcorp Genetics (formerly Invitae), Labcorp
Classification: Uncertain significance. Last evaluated: 2022-05-21. Review status: criteria provided, single submitter. Criteria: Invitae Variant Classification Sherloc (09022015). Collection method: clinical testing. Allele origin: germline.
Comment: ClinVar contains an entry for this variant (Variation ID: 501884). In summary, the available evidence is currently insufficient to determine the role of this variant in disease. Therefore, it has been classified as a Variant of Uncertain Significance. Algorithms developed to predict the effect of missense changes on protein structure and function are either unavailable or do not agree on the potential impact of this missense change (SIFT: "Deleterious"; PolyPhen-2: "Possibly Damaging"; Align-GVGD: "Class C0"). This variant has not been reported in the literature in individuals affected with AP3D1-related conditions. The frequency data for this variant in the population databases is considered unreliable, as metrics indicate poor data quality at this position in the gnomAD database. This sequence change replaces arginine, which is basic and polar, with tryptophan, which is neutral and slightly polar, at codon 651 of the AP3D1 protein (p.Arg651Trp).

Eurofins Ntd Llc (ga)
Classification: Uncertain significance. Last evaluated: 2017-05-08. Review status: criteria provided, single submitter. Criteria: EGL Classification Definitions 2015. Collection method: clinical testing. Allele origin: germline. Observed: 1 variant allele, 1 heterozygote.